The following is an entry in ClinVar:

NM_001378477.3(NYX):c.903_904del (p.Leu302fs)

Gene: NYX (nyctalopin; plus strand). Cytogenetic location: Xp11.4.
Variant type: Microsatellite.
Coding change: c.903_904del on transcript NM_001378477.3 (MANE Select); coding-DNA positions 903 to 904, 2 bases deleted (GC; older notation c.903_904delGC).
Protein change: p.Leu302fs; shifts the reading frame from leucine 302.
Molecular consequence: frameshift variant.
Genome position (GRCh38, 1-based): chrX:41,474,371-41,474,372, GC deleted; deleting any 2 consecutive bases within chrX:41,474,368-41,474,372 gives the same sequence; the c. name uses the placement nearest the transcript's 3' end. VCF-style (leftmost placement, unchanged base first): chrX-41474367-TCG-T. GRCh37 (hg19) VCF-style: chrX-41333620-TCG-T.
Other names: c.903_904del, p.Leu302fs (NM_022567.3); short protein forms L302fs.
Identifiers: ClinVar variation 4073593 (VCV004073593.1).

ClinVar aggregate classification (germline): Likely pathogenic (1 of 4 stars; one submission).

Conditions:
inherited retinal disease.

Submission:

DNA-diagnostics Laboratory, Research Centre For Medical Genetics
Classification: Likely pathogenic for inherited retinal disease. Review status: criteria provided, single submitter. Criteria: ACMG Guidelines, 2015. Collection method: clinical testing. Allele origin: germline. Inheritance: X-linked recessive inheritance. Affected: yes. Observed: 1 hemizygote.
Comment: This sequence change creates a premature translational stop signal (p.Leu307Alafs*185) in NYX gene. This variant is not present in population databases (gnomAD no frequency). Loss-of-function variants in NYX are known to be pathogenic (PMID: 31826698, 12552565). For these reasons, this variant has been classified as likely pathogenic (PVS1, PM2).